The following is an entry in ClinVar:

ClinVar aggregate classification (germline): Uncertain significance (1 of 4 stars; one submission).

Conditions:
Pierpont syndrome (PRPTS). Identifiers: Orphanet 487825, MedGen C1865644, MONDO:0011213, OMIM 602342.

Submission:

Labcorp Genetics (formerly Invitae), Labcorp
Classification: Uncertain significance for Pierpont syndrome. Last evaluated: 2023-08-24. Review status: criteria provided, single submitter. Criteria: Invitae Variant Classification Sherloc (09022015). Collection method: clinical testing. Allele origin: germline.
Comment: In summary, the available evidence is currently insufficient to determine the role of this variant in disease. Therefore, it has been classified as a Variant of Uncertain Significance. Advanced modeling of protein sequence and biophysical properties (such as structural, functional, and spatial information, amino acid conservation, physicochemical variation, residue mobility, and thermodynamic stability) performed at Invitae indicates that this missense variant is not expected to disrupt TBL1XR1 protein function. This variant has not been reported in the literature in individuals affected with TBL1XR1-related conditions. This variant is not present in population databases (gnomAD no frequency). This sequence change replaces glycine, which is neutral and non-polar, with glutamic acid, which is acidic and polar, at codon 122 of the TBL1XR1 protein (p.Gly122Glu).

NM_024665.7(TBL1XR1):c.365G>A (p.Gly122Glu)

Gene: TBL1XR1 (TBL1X/Y related 1; minus strand). Cytogenetic location: 3q26.32.
Variant type: single nucleotide variant.
Coding change: c.365G>A on transcript NM_024665.7 (MANE Select); coding-DNA position 365, G replaced by A.
Protein change: p.Gly122Glu; replaces glycine 122 with glutamic acid.
Molecular consequence: missense variant.
Genome position (GRCh38, 1-based): chr3:177,051,566, C>T on the plus strand (G>A on the coding strand, the complement: TBL1XR1 is on the minus strand). VCF-style: chr3-177051566-C-T. GRCh37 (hg19) VCF-style: chr3-176769354-C-T.
Other names: c.365G>A, p.Gly122Glu (NM_001321193.3, NM_001321194.3, NM_001374327.1 and 2 more transcripts); c.104G>A, p.Gly35Glu (NM_001321195.3, NM_001374330.1); short protein forms G122E, G35E.
Identifiers: ClinVar variation 2878545 (VCV002878545.3), dbSNP rs1717089705, ClinGen allele CA355553168.